The following is an entry in ClinVar:

ClinVar aggregate classification (germline): Likely benign (0 of 4 stars; one submission).

Conditions:
JAG2-related disorder. Also called: JAG2-related condition.

Allele frequency attached by ClinVar (database versions not stated): TOPMed below 0.00001; gnomAD 0.00001; gnomAD exomes 0.00001.

Submission:

PreventionGenetics, part of Exact Sciences
Classification: Likely benign for JAG2-related condition. Last evaluated: 2019-07-22. Review status: no assertion criteria provided. Collection method: clinical testing. Allele origin: germline.
Comment: This variant is classified as likely benign based on ACMG/AMP sequence variant interpretation guidelines (Richards et al. 2015 PMID: 25741868, with internal and published modifications).

NM_002226.5(JAG2):c.3156C>T (p.Ala1052=)

Gene: JAG2 (jagged canonical Notch ligand 2; minus strand). Cytogenetic location: 14q32.33.
Variant type: single nucleotide variant.
Coding change: c.3156C>T on transcript NM_002226.5 (MANE Select); coding-DNA position 3156, C replaced by T.
Protein change: p.Ala1052=; no amino-acid change (alanine 1052 retained).
Molecular consequence: synonymous variant.
Genome position (GRCh38, 1-based): chr14:105,143,567, G>A on the plus strand (C>T on the coding strand, the complement: JAG2 is on the minus strand). VCF-style: chr14-105143567-G-A. GRCh37 (hg19) VCF-style: chr14-105609904-G-A.
Other names: c.3042C>T, p.Ala1014= (NM_145159.3).
Identifiers: ClinVar variation 3050022 (VCV003050022.2), dbSNP rs1338827213, ClinGen allele CA488499175.